The following is an entry in ClinVar:

ClinVar aggregate classification (germline): Pathogenic (1 of 4 stars; one submission).

Conditions:
Dias-Logan syndrome. Also called: INTELLECTUAL DEVELOPMENTAL DISORDER WITH HEREDITARY PERSISTENCE OF FETAL HEMOGLOBIN; Intellectual developmental disorder with persistence of fetal hemoglobin. Identifiers: Orphanet 619233, MedGen C4310833, MONDO:0014914, OMIM 617101.

Submission:

Greenwood Genetic Center Diagnostic Laboratories, Greenwood Genetic Center
Classification: Pathogenic for Dias-Logan syndrome. Last evaluated: 2023-08-14. Review status: criteria provided, single submitter. Criteria: ACMG Guidelines, 2015. Collection method: clinical testing. Allele origin: germline. Affected: yes.
Comment: PVS1, PS2, PM2

NM_022893.4(BCL11A):c.875del (p.His292fs)

Gene: BCL11A (BCL11 transcription factor A; minus strand). Cytogenetic location: 2p16.1.
Variant type: Deletion.
Coding change: c.875del on transcript NM_022893.4 (MANE Select); coding-DNA position 875, one base deleted (A; older notation c.875delA).
Protein change: p.His292fs; shifts the reading frame from histidine 292.
Molecular consequence: frameshift variant. On other transcripts: intron variant (9).
Genome position (GRCh38, 1-based): chr2:60,462,037, T deleted on the plus strand (A on the coding strand, the reverse complement: BCL11A is on the minus strand). VCF-style (leftmost placement, unchanged base first): chr2-60462036-AT-A. GRCh37 (hg19) VCF-style: chr2-60689171-AT-A.
Other names: c.773del, p.His258fs (NM_001363864.1, NM_001365609.1, NM_001405711.1 and 2 more transcripts); c.875del, p.His292fs (NM_001405708.1, NM_001405709.1, NM_001405710.1 and 1 more transcripts); c.719del, p.His240fs (NM_001405713.1, NM_001405714.1, NM_001405715.1 and 3 more transcripts); c.617del, p.His206fs (NM_001405717.1, NM_001405718.1, NM_001405724.1); c.542del, p.His181fs (NM_001405720.1, NM_001405721.1); c.419del, p.His140fs (NM_001405725.1, NM_001405726.1, NM_001405727.1 and 1 more transcripts); c.630+245del (NM_138559.2, NM_001405732.1, NM_001405730.1); c.528+245del (NM_001405733.1); and 3 more; short protein forms H140fs, H181fs, H206fs, H240fs, H258fs, H292fs.
Identifiers: ClinVar variation 2626885 (VCV002626885.1), dbSNP rs2466254913, ClinGen allele CA2582342398.